The following is an entry in ClinVar:

ClinVar aggregate classification (germline): Uncertain significance (1 of 4 stars; one submission).

Conditions:
Hereditary cancer-predisposing syndrome. Also called: Hereditary Cancer Syndrome; Hereditary neoplastic syndrome; Neoplastic Syndromes, Hereditary; Tumor predisposition. Identifiers: Orphanet 140162, MedGen C0027672, MeSH D009386, MONDO:0015356.

Submission:

Ambry Genetics
Classification: Uncertain significance for Hereditary cancer-predisposing syndrome. Last evaluated: 2020-11-06. Review status: criteria provided, single submitter. Criteria: Ambry Variant Classification Scheme 2023. Collection method: clinical testing. Allele origin: germline.
Comment: The p.E393D variant (also known as c.1179G>C), located in coding exon 11 of the TSC2 gene, results from a G to C substitution at nucleotide position 1179. The glutamic acid at codon 393 is replaced by aspartic acid, an amino acid with highly similar properties. This amino acid position is highly conserved in available vertebrate species. In addition, the in silico prediction for this alteration is inconclusive. Since supporting evidence is limited at this time, the clinical significance of this alteration remains unclear.

NM_000548.5(TSC2):c.1179G>C (p.Glu393Asp)

Gene: TSC2 (TSC complex subunit 2; plus strand). Cytogenetic location: 16p13.3.
Variant type: single nucleotide variant.
Coding change: c.1179G>C on transcript NM_000548.5 (MANE Select); coding-DNA position 1179, G replaced by C.
Protein change: p.Glu393Asp; replaces glutamic acid 393 with aspartic acid.
Molecular consequence: missense variant.
Genome position (GRCh38, 1-based): chr16:2,061,930, G>C. VCF-style: chr16-2061930-G-C. GRCh37 (hg19) VCF-style: chr16-2111931-G-C.
Other names: c.1179G>C, p.Glu393Asp (NM_001077183.3, NM_001114382.3, NM_001363528.2 and 6 more transcripts); c.1068G>C, p.Glu356Asp (NM_001318827.2, NM_001406670.1, NM_001406678.1); c.1032G>C, p.Glu344Asp (NM_001318829.2, NM_001406675.1, NM_001406676.1 and 1 more transcripts); c.579G>C, p.Glu193Asp (NM_001318831.2, NM_001406680.1, NM_001406682.1 and 6 more transcripts); c.1212G>C, p.Glu404Asp (NM_001318832.2); c.1269G>C, p.Glu423Asp (NM_001406667.1, NM_001406668.1); c.1167G>C, p.Glu389Asp (NM_001406671.1, NM_001406673.1); c.1122G>C, p.Glu374Asp (NM_001406677.1); and 4 more; short protein forms E393D, E239D, E356D, E389D, E404D, E423D, E193D, E344D.
Identifiers: ClinVar variation 1741582 (VCV001741582.2), dbSNP rs2151155465, ClinGen allele CA394320496.